The following is an entry in ClinVar:

NM_017547.4(FOXRED1):c.1171T>G (p.Leu391Val)

Gene: FOXRED1 (FAD dependent oxidoreductase domain containing 1; plus strand). Cytogenetic location: 11q24.2.
Variant type: single nucleotide variant.
Coding change: c.1171T>G on transcript NM_017547.4 (MANE Select); coding-DNA position 1171, T replaced by G.
Protein change: p.Leu391Val; replaces leucine 391 with valine.
Molecular consequence: missense variant. On other transcripts: non-coding transcript variant (2).
Genome position (GRCh38, 1-based): chr11:126,277,140, T>G. VCF-style: chr11-126277140-T-G. GRCh37 (hg19) VCF-style: chr11-126147035-T-G.
Other names: p.L391V:TTG>GTG; short protein forms L391V.
Identifiers: ClinVar variation 214451 (VCV000214451.27), dbSNP rs138061928, ClinGen allele CA324443.

ClinVar aggregate classification (germline): Conflicting classifications of pathogenicity. Review status: criteria provided, conflicting classifications (1 of 4 stars). 9 submissions from 9 submitters: Uncertain significance (4); Likely benign (3). 2 of the submissions do not count toward it. Last evaluated 2026-02-01.

Conditions:
Mitochondrial complex I deficiency, nuclear type 1. Also called: NADH-COENZYME Q REDUCTASE DEFICIENCY; MITOCHONDRIAL NADH DEHYDROGENASE COMPONENT OF COMPLEX I, DEFICIENCY OF. Identifiers: MedGen C6022305, MONDO:0100224, OMIM 252010.
Mitochondrial complex I deficiency, nuclear type 19. Also called: Mitochondrial complex 1 deficiency, nuclear type 19. Identifiers: MedGen C4748791, MONDO:0032624, OMIM 618241.
Leigh syndrome (NULS). Also called: Leigh Disease; Subacute necrotizing encephalopathy; Necrotizing encephalopathy infantile subacute of Leigh; LEIGH SYNDROME, NUCLEAR; Leigh's necrotizing encephalopathy; Leigh's disease. Identifiers: Orphanet 506, MedGen C2931891, MONDO:0009723, OMIM 256000.
FOXRED1-related disorder. Also called: FOXRED1-related condition.

Allele frequency attached by ClinVar (database versions not stated): TOPMed 0.00081; gnomAD 0.00088 and 0.00093; ESP Exome Variant Server 0.00092; gnomAD exomes 0.00099 and 0.00104; ExAC 0.00123.
gnomAD v4.1: 1,569 of 1,613,412 alleles (0.097%); highest among the groups gnomAD compares: Non-Finnish European, 0.11%; 1 homozygote.

Submissions (9):

Labcorp Genetics (formerly Invitae), Labcorp
Classification: Likely benign. Last evaluated: 2026-02-01. Review status: criteria provided, single submitter. Criteria: Invitae Variant Classification Sherloc (09022015). Collection method: clinical testing. Allele origin: germline.

PreventionGenetics, part of Exact Sciences
Classification: Likely benign for FOXRED1-related condition. Last evaluated: 2025-12-10. Review status: criteria provided, single submitter. Criteria: ACMG Guidelines, 2015. Collection method: clinical testing. Allele origin: germline.
Comment: This variant is classified as likely benign based on ACMG/AMP sequence variant interpretation guidelines (Richards et al. 2015 PMID: 25741868, with internal and published modifications).

GeneDx
Classification: Uncertain significance. Last evaluated: 2025-08-14. Review status: criteria provided, single submitter. Criteria: GeneDx Variant Classification Process June 2021. Collection method: clinical testing. Allele origin: germline. Affected: yes.
Comment: In silico analysis supports that this missense variant has a deleterious effect on protein structure/function; Has not been previously published as pathogenic or benign to our knowledge; This variant is associated with the following publications: (PMID: 25803036)

Blueprint Genetics
Classification: Likely benign. Last evaluated: 2024-11-06. Review status: criteria provided, single submitter. Criteria: ACMG Guidelines, 2015. Collection method: clinical testing. Allele origin: germline.

Department of Pathology and Laboratory Medicine, Sinai Health System
Classification: Uncertain significance for Mitochondrial complex I deficiency, nuclear type 19. Last evaluated: 2022-04-06. Review status: criteria provided, single submitter. Criteria: ACMG Guidelines, 2015. Collection method: research. Allele origin: germline.

Fulgent Genetics
Classification: Uncertain significance for Mitochondrial complex I deficiency, nuclear type 1; Leigh syndrome. Last evaluated: 2018-10-31. Review status: criteria provided, single submitter. Criteria: ACMG Guidelines, 2015. Collection method: clinical testing. Allele origin: unknown.

Illumina Laboratory Services, Illumina
Classification: Uncertain significance for Mitochondrial complex I deficiency, nuclear type 1. Last evaluated: 2017-12-27. Review status: criteria provided, single submitter. Criteria: ICSL Variant Classification Criteria 13 December 2019. Collection method: clinical testing. Allele origin: germline.
Comment: This variant was observed as part of a predisposition screen in an ostensibly healthy population. A literature search was performed for the gene, cDNA change, and amino acid change (where applicable). Publications were found based on this search. However, the evidence from the literature, in combination with allele frequency data from public databases where available, was not sufficient to rule this variant in or out of causing disease. Therefore, this variant is classified as a variant of unknown significance.

Clinical Genetics DNA and cytogenetics Diagnostics Lab, Erasmus MC, Erasmus Medical Center
Classification: Likely benign. Review status: no assertion criteria provided. Collection method: clinical testing. Allele origin: germline. Affected: yes. Study: VKGL Data-share Consensus. Not counted in ClinVar's aggregate classification.

Laboratory of Diagnostic Genome Analysis, Leiden University Medical Center (LUMC)
Classification: Likely benign. Review status: no assertion criteria provided. Collection method: clinical testing. Allele origin: germline. Affected: yes. Study: VKGL Data-share Consensus. Not counted in ClinVar's aggregate classification.

Literature cited by the submitters: PubMed 25803036 (cited by Illumina Laboratory Services, Illumina).